The following is an entry in ClinVar:

NM_002451.4(MTAP):c.39A>C (p.Gly13=)

Gene: MTAP (methylthioadenosine phosphorylase; plus strand). Cytogenetic location: 9p21.3.
Variant type: single nucleotide variant.
Coding change: c.39A>C on transcript NM_002451.4 (MANE Select); coding-DNA position 39, A replaced by C.
Protein change: p.Gly13=; no amino-acid change (glycine 13 retained).
Molecular consequence: synonymous variant.
Genome position (GRCh38, 1-based): chr9:21,815,438, A>C. VCF-style: chr9-21815438-A-C. GRCh37 (hg19) VCF-style: chr9-21815437-A-C.
Identifiers: ClinVar variation 366235 (VCV000366235.29), dbSNP rs139020435, ClinGen allele CA5011695.

ClinVar aggregate classification (germline): Benign/Likely benign. Review status: criteria provided, multiple submitters, no conflicts (2 of 4 stars). 2 submissions from 2 submitters: Benign (1); Likely benign (1). Last evaluated 2022-07-01.

Conditions:
Diaphyseal medullary stenosis-bone malignancy syndrome. Also called: MYOPATHY, LIMB-GIRDLE, WITH BONE FRAGILITY; BONE DYSPLASIA WITH MALIGNANT FIBROUS HISTIOCYTOMA; BONE DYSPLASIA WITH MEDULLARY FIBROSARCOMA. Identifiers: Orphanet 85182, MedGen C1862177, MONDO:0007205, OMIM 112250.

Allele frequency attached by ClinVar (database versions not stated): gnomAD 0.00021 and 0.00023; TOPMed 0.00022; gnomAD exomes 0.00028 and 0.00042; ExAC 0.00030; ESP Exome Variant Server 0.00031.
gnomAD v4.1: 638 of 1,593,858 alleles (0.04%); highest among the groups gnomAD compares: Non-Finnish European, 0.047%; 1 homozygote.

Submissions (2):

CeGaT Center for Human Genetics Tuebingen
Classification: Likely benign. Last evaluated: 2022-07-01. Review status: criteria provided, single submitter. Criteria: CeGaT Center For Human Genetics Tuebingen Variant Classification Criteria Version 2. Collection method: clinical testing. Allele origin: germline. Affected: yes. Observed: 1 variant allele.
Comment: MTAP: BP4

Illumina Laboratory Services, Illumina
Classification: Benign for Diaphyseal medullary stenosis-bone malignancy syndrome. Last evaluated: 2018-01-13. Review status: criteria provided, single submitter. Criteria: ICSL Variant Classification Criteria 13 December 2019. Collection method: clinical testing. Allele origin: germline.
Comment: This variant was observed in the ICSL laboratory as part of a predisposition screen in an ostensibly healthy population. It had not been previously curated by ICSL or reported in the Human Gene Mutation Database (HGMD: prior to June 1st, 2018), and was therefore a candidate for classification through an automated scoring system. Utilizing variant allele frequency, disease prevalence and penetrance estimates, and inheritance mode, an automated score was calculated to assess if this variant is too frequent to cause the disease. Based on the score and internal cut-off values, a variant classified as benign is not then subjected to further curation. The score for this variant resulted in a classification of benign for this disease.